The following is an entry in ClinVar:

NM_001184.4(ATR):c.3688dup (p.Thr1230fs)

Gene: ATR (ATR checkpoint kinase; minus strand). Cytogenetic location: 3q23.
Variant type: Duplication.
Coding change: c.3688dup on transcript NM_001184.4 (MANE Select); coding-DNA position 3688, one base duplicated (A; older notation c.3688dupA).
Protein change: p.Thr1230fs; shifts the reading frame from threonine 1230.
Molecular consequence: frameshift variant.
Genome position (GRCh38, 1-based): chr3:142,538,519, T duplicated on the plus strand (A on the coding strand, the reverse complement: ATR is on the minus strand); the first of 3 consecutive T bases (chr3:142,538,519-142,538,521); duplicating any one gives the same sequence. VCF-style (leftmost placement, unchanged base first): chr3-142538518-G-GT. GRCh37 (hg19) VCF-style: chr3-142257360-G-GT.
Other names: c.3496dup, p.Thr1166fs (NM_001354579.2); short protein forms T1166fs, T1230fs.
Identifiers: ClinVar variation 2845868 (VCV002845868.3), dbSNP rs2473318061, ClinGen allele CA2739279651.
Genomic context (GRCh38, chr3:142,538,518, plus strand): 5'-TACTATTAATTTCAGTTACAATACCTGTTTTCAATTATGAGGTAGTGGAAGATAGCTGCA[G>GT]TTTCTTTAGGCTGGATGTGTATAAGAGGTAACAAAGCTACTATTACATGACTGAGAAGGG-3'

ClinVar aggregate classification (germline): Pathogenic (1 of 4 stars; one submission).

Submission:

Labcorp Genetics (formerly Invitae), Labcorp
Classification: Pathogenic. Last evaluated: 2023-03-14. Review status: criteria provided, single submitter. Criteria: Invitae Variant Classification Sherloc (09022015). Collection method: clinical testing. Allele origin: germline.
Comment: For these reasons, this variant has been classified as Pathogenic. This variant has not been reported in the literature in individuals affected with ATR-related conditions. This variant is not present in population databases (gnomAD no frequency). This sequence change creates a premature translational stop signal (p.Thr1230Asnfs*11) in the ATR gene. It is expected to result in an absent or disrupted protein product. Loss-of-function variants in ATR are known to be pathogenic (PMID: 21228398, 23144622).

Literature cited by the submitters: PubMed 21228398; PubMed 23144622.